The following is an entry in ClinVar:

NM_002499.4(NEO1):c.879-10_879-8del

Gene: NEO1 (neogenin 1; plus strand). Cytogenetic location: 15q24.1.
Variant type: Deletion.
Coding change: c.879-10_879-8del on transcript NM_002499.4 (MANE Select); 10 bases into the intron before coding-DNA position 879 through 8 bases into the intron before coding-DNA position 879, 3 bases deleted (TTT; older notation c.879-10_879-8delTTT).
Molecular consequence: intron variant.
Genome position (GRCh38, 1-based): chr15:73,135,881-73,135,883, TTT deleted; deleting any 3 consecutive bases within chr15:73,135,864-73,135,883 gives the same sequence; the c. name uses the placement nearest the transcript's 3' end. VCF-style (leftmost placement, unchanged base first): chr15-73135863-CTTT-C. GRCh37 (hg19) VCF-style: chr15-73428204-CTTT-C.
Other names: c.879-10_879-8del (NM_001172624.2, NM_001419531.1, NM_001172623.2).
Identifiers: ClinVar variation 3037952 (VCV003037952.2), dbSNP rs376822156, ClinGen allele CA7647745.

ClinVar aggregate classification (germline): Benign (0 of 4 stars; one submission).

Conditions:
NEO1-related disorder. Also called: NEO1-related condition.

Submission:

PreventionGenetics, part of Exact Sciences
Classification: Benign for NEO1-related condition. Last evaluated: 2019-02-19. Review status: no assertion criteria provided. Collection method: clinical testing. Allele origin: germline.
Comment: This variant is classified as benign based on ACMG/AMP sequence variant interpretation guidelines (Richards et al. 2015 PMID: 25741868, with internal and published modifications).